The following is an entry in ClinVar:

NM_000179.3(MSH6):c.2956A>G (p.Thr986Ala)

Gene: MSH6 (mutS homolog 6; plus strand). Cytogenetic location: 2p16.3.
Variant type: single nucleotide variant.
Coding change: c.2956A>G on transcript NM_000179.3 (MANE Select); coding-DNA position 2956, A replaced by G.
Protein change: p.Thr986Ala; replaces threonine 986 with alanine.
Molecular consequence: missense variant.
Genome position (GRCh38, 1-based): chr2:47,800,939, A>G. VCF-style: chr2-47800939-A-G. GRCh37 (hg19) VCF-style: chr2-48028078-A-G.
Other names: c.2566A>G, p.Thr856Ala (NM_001281492.2); c.2050A>G, p.Thr684Ala (NM_001281493.2, NM_001281494.2); short protein forms T986A, T684A, T856A.
Identifiers: ClinVar variation 485854 (VCV000485854.29), dbSNP rs1553414327, ClinGen allele CA346756256.
Genomic context (GRCh38, chr2:47,800,939, plus strand): 5'-ACCATAGTCTATTGGGGGATTGGTAGGAACCGTTACCAGCTGGAAATTCCTGAGAATTTC[A>G]CCACTCGCAATTTGCCAGAAGAATACGAGTTGAAATCTACCAAGAAGGGCTGTAAACGAT-3'
Protein context (NP_000170.1, residues 976-996): RYQLEIPENF[Thr986Ala]TRNLPEEYEL

ClinVar aggregate classification (germline): Conflicting classifications of pathogenicity. Review status: criteria provided, conflicting classifications (1 of 4 stars). 6 submissions from 6 submitters: Uncertain significance (5); Likely benign (1). Last evaluated 2025-01-02.

Conditions:
Hereditary nonpolyposis colorectal neoplasms. Identifiers: MedGen C0009405, MeSH D003123.
Hereditary cancer-predisposing syndrome. Also called: Tumor predisposition; Hereditary Cancer Syndrome; Hereditary neoplastic syndrome; Neoplastic Syndromes, Hereditary. Identifiers: Orphanet 140162, MedGen C0027672, MeSH D009386, MONDO:0015356.

Allele frequency attached by ClinVar (database versions not stated): gnomAD exomes 0.00001.
gnomAD v4.1: 11 of 1,575,708 alleles (0.0007%); highest among the groups gnomAD compares: South Asian, 0.0012%; no homozygotes.

Submissions (6):

Quest Diagnostics Nichols Institute San Juan Capistrano
Classification: Uncertain significance. Last evaluated: 2025-01-02. Review status: criteria provided, single submitter. Criteria: Quest Diagnostics criteria. Collection method: clinical testing. Allele origin: unknown.
Comment: The MSH6 c.2956A>G (p.Thr986Ala) variant has not been reported in individuals with MSH6-related conditions in the published literature. It also has not been reported in large, multi-ethnic general populations (Genome Aggregation Database). Analysis of this variant using bioinformatics tools for the prediction of the effect of amino acid changes on protein structure and function yielded predictions that this variant is benign. Based on the available information, we are unable to determine the clinical significance of this variant.

Labcorp Genetics (formerly Invitae), Labcorp
Classification: Uncertain significance for Hereditary nonpolyposis colorectal neoplasms. Last evaluated: 2024-10-10. Review status: criteria provided, single submitter. Criteria: Invitae Variant Classification Sherloc (09022015). Collection method: clinical testing. Allele origin: germline.
Comment: This sequence change replaces threonine, which is neutral and polar, with alanine, which is neutral and non-polar, at codon 986 of the MSH6 protein (p.Thr986Ala). This variant is not present in population databases (gnomAD no frequency). This variant has not been reported in the literature in individuals affected with MSH6-related conditions. ClinVar contains an entry for this variant (Variation ID: 485854). Invitae Evidence Modeling of protein sequence and biophysical properties (such as structural, functional, and spatial information, amino acid conservation, physicochemical variation, residue mobility, and thermodynamic stability) indicates that this missense variant is not expected to disrupt MSH6 protein function with a negative predictive value of 95%. In summary, the available evidence is currently insufficient to determine the role of this variant in disease. Therefore, it has been classified as a Variant of Uncertain Significance.

Ambry Genetics
Classification: Likely benign for Hereditary cancer-predisposing syndrome. Last evaluated: 2024-07-17. Review status: criteria provided, single submitter. Criteria: Ambry Variant Classification Scheme 2023. Collection method: clinical testing. Allele origin: germline.

Color Diagnostics, LLC DBA Color Health
Classification: Uncertain significance for Hereditary cancer-predisposing syndrome. Last evaluated: 2024-03-06. Review status: criteria provided, single submitter. Criteria: ACMG Guidelines, 2015. Collection method: clinical testing. Allele origin: germline.
Comment: This missense variant replaces threonine with alanine at codon 986 of the MSH6 protein. Computational prediction suggests that this variant may not impact protein structure and function (internally defined REVEL score threshold <= 0.5, PMID: 27666373). To our knowledge, functional studies have not been reported for this variant. This variant has not been reported in individuals affected with hereditary cancer in the literature. This variant has not been identified in the general population by the Genome Aggregation Database (gnomAD). The available evidence is insufficient to determine the role of this variant in disease conclusively. Therefore, this variant is classified as a Variant of Uncertain Significance.

GeneDx
Classification: Uncertain significance. Last evaluated: 2023-12-01. Review status: criteria provided, single submitter. Criteria: GeneDx Variant Classification Process June 2021. Collection method: clinical testing. Allele origin: germline. Affected: yes.
Comment: Not observed at significant frequency in large population cohorts (gnomAD); In silico analysis supports that this missense variant does not alter protein structure/function; Has not been previously published as pathogenic or benign to our knowledge; This variant is associated with the following publications: (PMID: 17531815, 21120944)

Women's Health and Genetics/Laboratory Corporation of America, LabCorp
Classification: Uncertain significance. Last evaluated: 2018-11-05. Review status: criteria provided, single submitter. Criteria: LabCorp Variant Classification Summary - May 2015. Collection method: clinical testing. Allele origin: germline.
Comment: Variant summary: MSH6 c.2956A>G (p.Thr986Ala) results in a non-conservative amino acid change located in the DNA mismatch repair protein MutS, Clamp domain (IPR007696) of the encoded protein sequence. Four of five in-silico tools predict a benign effect of the variant on protein function. The variant was absent in 246084 control chromosomes (gnomAD). The available data on variant occurrences in the general population are insufficient to allow any conclusion about variant significance. To our knowledge, no occurrence of c.2956A>G in individuals affected with Lynch Syndrome and no experimental evidence demonstrating its impact on protein function have been reported. Two clinical diagnostic laboratories have submitted clinical-significance assessments for this variant to ClinVar after 2014 without evidence for independent evaluation, and both laboratories classified the variant as uncertain significance. Based on the evidence outlined above, the variant was classified as uncertain significance.